The following is an entry in ClinVar:

ClinVar aggregate classification (germline): Pathogenic/Likely pathogenic. Review status: criteria provided, multiple submitters, no conflicts (2 of 4 stars). 2 submissions from 2 submitters: Pathogenic (1); Likely pathogenic (1). Last evaluated 2025-06-24.

Conditions:
Early-infantile DEE. Also called: Early infantile epileptic encephalopathy with suppression bursts; Early infantile epileptic encephalopathy; Ohtahara syndrome. Identifiers: Orphanet 1934, MedGen C0393706, MONDO:0800491.
SCN1A-related disorder. Also called: SCN1A-related conditions; SCN1A-related condition; SCN1A-related disorders.

Submissions (2):

3billion
Classification: Pathogenic for SCN1A-related disorder. Last evaluated: 2025-06-24. Review status: criteria provided, single submitter. Criteria: ACMG Guidelines, 2015. Collection method: clinical testing. Allele origin: germline. Affected: yes.
Comment: The variant is not observed in the gnomAD v4.1.0 dataset. Predicted Consequence/Location: Canonical splice site: predicted to alter splicing and result in a loss or disruption of normal protein function. Multiple pathogenic loss-of-function variants are reported downstream of the variant. In silico tools predict the variant to alter splicing and produce an abnormal transcript [SpliceAI: 0.99 (spliceogenicity >=0.2, non-spliceogenicity <0.1)]. The variant has been reported to be associated with SCN1A-related disorder (ClinVar ID: VCV002759518). Therefore, this variant is classified as Pathogenic according to the recommendation of ACMG/AMP guideline.

Labcorp Genetics (formerly Invitae), Labcorp
Classification: Likely pathogenic for Early-infantile DEE. Last evaluated: 2023-09-10. Review status: criteria provided, single submitter. Criteria: Invitae Variant Classification Sherloc (09022015). Collection method: clinical testing. Allele origin: germline.
Comment: This variant is not present in population databases (gnomAD no frequency). This variant has not been reported in the literature in individuals affected with SCN1A-related conditions. Algorithms developed to predict the effect of sequence changes on RNA splicing suggest that this variant may disrupt the consensus splice site. In summary, the currently available evidence indicates that the variant is pathogenic, but additional data are needed to prove that conclusively. Therefore, this variant has been classified as Likely Pathogenic. This sequence change affects a donor splice site in intron 1 of the SCN1A gene. It is expected to disrupt RNA splicing. Variants that disrupt the donor or acceptor splice site typically lead to a loss of protein function (PMID: 16199547), and loss-of-function variants in SCN1A are known to be pathogenic (PMID: 17347258, 18930999).

Literature cited by the submitters: PubMed 16199547 (cited by Labcorp Genetics (formerly Invitae), Labcorp); PubMed 17347258 (cited by Labcorp Genetics (formerly Invitae), Labcorp); PubMed 18930999 (cited by Labcorp Genetics (formerly Invitae), Labcorp).

NM_001165963.4(SCN1A):c.264+1G>A

Gene: SCN1A (sodium voltage-gated channel alpha subunit 1; minus strand). Cytogenetic location: 2q24.3.
Variant type: single nucleotide variant.
Coding change: c.264+1G>A on transcript NM_001165963.4 (MANE Select); the canonical splice donor site of the intron after coding-DNA position 264, G replaced by A.
Molecular consequence: splice donor variant.
Genome position (GRCh38, 1-based): chr2:166,073,357, C>T on the plus strand (G>A on the coding strand, the complement: SCN1A is on the minus strand). VCF-style: chr2-166073357-C-T. GRCh37 (hg19) VCF-style: chr2-166929867-C-T.
Other names: c.264+1G>A (NM_001353949.2, NM_001353958.2, NM_001353950.2 and 10 more transcripts); c.-2162+1G>A (NM_001353961.2).
Identifiers: ClinVar variation 2759518 (VCV002759518.4), dbSNP rs1553560677, ClinGen allele CA349242599.